The following is an entry in ClinVar:

NM_000836.4(GRIN2D):c.926C>T (p.Ser309Leu)

Gene: GRIN2D (glutamate ionotropic receptor NMDA type subunit 2D; plus strand). Cytogenetic location: 19q13.33.
Variant type: single nucleotide variant.
Coding change: c.926C>T on transcript NM_000836.4 (MANE Select); coding-DNA position 926, C replaced by T.
Protein change: p.Ser309Leu; replaces serine 309 with leucine.
Molecular consequence: missense variant.
Genome position (GRCh38, 1-based): chr19:48,405,194, C>T. VCF-style: chr19-48405194-C-T. GRCh37 (hg19) VCF-style: chr19-48908451-C-T.
Other names: short protein forms S309L.
Identifiers: ClinVar variation 1504475 (VCV001504475.6), dbSNP rs555640307, ClinGen allele CA9550415.

ClinVar aggregate classification (germline): Uncertain significance (1 of 4 stars; one submission).

Allele frequency attached by ClinVar (database versions not stated): gnomAD 0.00002 and 0.00003; TOPMed below 0.00001; 1000 Genomes Project 0.00020; 1000 Genomes Project 30x 0.00031; gnomAD exomes below 0.00001; ExAC 0.00002.

Submission:

Labcorp Genetics (formerly Invitae), Labcorp
Classification: Uncertain significance. Last evaluated: 2025-03-11. Review status: criteria provided, single submitter. Criteria: Invitae Variant Classification Sherloc (09022015). Collection method: clinical testing. Allele origin: germline.
Comment: This sequence change replaces serine, which is neutral and polar, with leucine, which is neutral and non-polar, at codon 309 of the GRIN2D protein (p.Ser309Leu). The frequency data for this variant in the population databases is considered unreliable, as metrics indicate poor data quality at this position in the gnomAD database. This variant has not been reported in the literature in individuals affected with GRIN2D-related conditions. ClinVar contains an entry for this variant (Variation ID: 1504475). Invitae Evidence Modeling of protein sequence and biophysical properties (such as structural, functional, and spatial information, amino acid conservation, physicochemical variation, residue mobility, and thermodynamic stability) indicates that this missense variant is not expected to disrupt GRIN2D protein function with a negative predictive value of 80%. In summary, the available evidence is currently insufficient to determine the role of this variant in disease. Therefore, it has been classified as a Variant of Uncertain Significance.